The following is an entry in ClinVar:

NM_004646.4(NPHS1):c.1188_1189del (p.Ile397fs)

Gene: NPHS1 (NPHS1 adhesion molecule, nephrin; minus strand). Cytogenetic location: 19q13.12.
Variant type: Microsatellite.
Coding change: c.1188_1189del on transcript NM_004646.4 (MANE Select); coding-DNA positions 1188 to 1189, 2 bases deleted (CA; older notation c.1188_1189delCA).
Protein change: p.Ile397fs; shifts the reading frame from isoleucine 397.
Molecular consequence: frameshift variant.
Genome position (GRCh38, 1-based): chr19:35,848,379-35,848,380, TG deleted on the plus strand (CA on the coding strand, the reverse complement: NPHS1 is on the minus strand); deleting any 2 consecutive bases within chr19:35,848,379-35,848,382 gives the same sequence; the c. name uses the placement nearest the transcript's 3' end. VCF-style (leftmost placement, unchanged base first): chr19-35848378-ATG-A. GRCh37 (hg19) VCF-style: chr19-36339280-ATG-A.
Other names: short protein forms I397fs.
Identifiers: ClinVar variation 1726013 (VCV001726013.2), dbSNP rs2513776980, ClinGen allele CA2580612601.
Genomic context (GRCh38, chr19:35,848,378, plus strand): 5'-CATGTGAGGGTCAGACCGTTGTCCTCCCGCCGCGCCAGGAATGTCAGGTTGGACATGGAG[ATG>A]TGACCGCCATGCAGTCCCTGGCAGGGAGTGAGCTTCAGACGTGGGGACTGCAGCACCCCT-3'

ClinVar aggregate classification (germline): Likely pathogenic (1 of 4 stars; one submission).

Conditions:
Finnish congenital nephrotic syndrome (NPHS1). Also called: NEPHROTIC SYNDROME, TYPE 1. Identifiers: Orphanet 839, MedGen C0403399, MONDO:0009732, OMIM 256300.

Submission:

Myriad Genetics, Inc.
Classification: Likely pathogenic for Finnish congenital nephrotic syndrome. Last evaluated: 2022-05-04. Review status: criteria provided, single submitter. Criteria: Myriad Women's Health Autosomal Recessive and X-Linked Classification Criteria (2021). Collection method: clinical testing. Allele origin: unknown.
Comment: NM_004646.3(NPHS1):c.1188_1189delCA(I397Lfs*21) is expected to be pathogenic in the context of nephrotic syndrome, NPHS1-related. This variant is predicted to lead to an abnormal or absent protein product due to the creation of a premature termination codon in NPHS1, a gene where loss-of-function variants are known to be pathogenic. Please note: this variant was assessed in the context of healthy population screening.